The following is an entry in ClinVar:

NM_006030.4(CACNA2D2):c.1411A>G (p.Arg471Gly)

Gene: CACNA2D2 (calcium voltage-gated channel auxiliary subunit alpha2delta 2; minus strand). Cytogenetic location: 3p21.31.
Variant type: single nucleotide variant.
Coding change: c.1411A>G on transcript NM_006030.4 (MANE Select); coding-DNA position 1411, A replaced by G.
Protein change: p.Arg471Gly; replaces arginine 471 with glycine.
Molecular consequence: missense variant.
Genome position (GRCh38, 1-based): chr3:50,378,076, T>C on the plus strand (A>G on the coding strand, the complement: CACNA2D2 is on the minus strand). VCF-style: chr3-50378076-T-C. GRCh37 (hg19) VCF-style: chr3-50415507-T-C.
Other names: c.1411A>G, p.Arg471Gly (NM_001005505.3, NM_001174051.3); c.1204A>G, p.Arg402Gly (NM_001291101.1); short protein forms R402G, R471G.
Identifiers: ClinVar variation 858589 (VCV000858589.7), dbSNP rs1705081540, ClinGen allele CA352929598.
Genomic context (GRCh38, chr3:50,378,076, plus strand): 5'-CCTCATACACGTTGGTCCACTGCACCTGCTTGGCCTCCTTGCCTGCCAGCACCATGGGCC[T>C]GCCCAACACATCTAGATATTCCTGGGGAGGGGGCAGTGGTGGGGGTAATGAGTGCCTTTC-3'
Protein context (NP_006021.2, residues 461-481): NTQEYLDVLG[Arg471Gly]PMVLAGKEAK

ClinVar aggregate classification (germline): Uncertain significance (1 of 4 stars; one submission).

Conditions:
Early-infantile DEE. Also called: Early infantile epileptic encephalopathy; Early infantile epileptic encephalopathy with suppression bursts; Ohtahara syndrome. Identifiers: Orphanet 1934, MedGen C0393706, MONDO:0800491.

Submission:

Labcorp Genetics (formerly Invitae), Labcorp
Classification: Uncertain significance for Early-infantile DEE. Last evaluated: 2019-12-04. Review status: criteria provided, single submitter. Criteria: Invitae Variant Classification Sherloc (09022015). Collection method: clinical testing. Allele origin: germline.
Comment: In summary, the available evidence is currently insufficient to determine the role of this variant in disease. Therefore, it has been classified as a Variant of Uncertain Significance. Algorithms developed to predict the effect of missense changes on protein structure and function are either unavailable or do not agree on the potential impact of this missense change (SIFT: "Deleterious"; PolyPhen-2: "Probably Damaging"; Align-GVGD: "Class C0"). This variant has not been reported in the literature in individuals with CACNA2D2-related conditions. This variant is not present in population databases (ExAC no frequency). This sequence change replaces arginine with glycine at codon 471 of the CACNA2D2 protein (p.Arg471Gly). The arginine residue is highly conserved and there is a moderate physicochemical difference between arginine and glycine.